The following is an entry in ClinVar:

NM_001365276.2(TNXB):c.9472A>C (p.Thr3158Pro)

Gene: TNXB (tenascin XB; minus strand). Cytogenetic location: 6p21.33.
Variant type: single nucleotide variant.
Coding change: c.9472A>C on transcript NM_001365276.2 (MANE Select); coding-DNA position 9472, A replaced by C.
Protein change: p.Thr3158Pro; replaces threonine 3158 with proline.
Molecular consequence: missense variant.
Genome position (GRCh38, 1-based): chr6:32,049,555, T>G on the plus strand (A>C on the coding strand, the complement: TNXB is on the minus strand). VCF-style: chr6-32049555-T-G. GRCh37 (hg19) VCF-style: chr6-32017332-T-G.
Other names: c.10213A>C, p.Thr3405Pro (NM_001428335.1); c.9466A>C, p.Thr3156Pro (NM_019105.8); short protein forms T3156P, T3405P, T3158P.
Identifiers: ClinVar variation 4615195 (VCV004615195.1).

ClinVar aggregate classification (germline): Uncertain significance (1 of 4 stars; one submission).

Conditions:
Cardiovascular phenotype. Identifiers: MedGen CN230736.

Submission:

Ambry Genetics
Classification: Uncertain significance for Cardiovascular phenotype. Last evaluated: 2025-12-10. Review status: criteria provided, single submitter. Criteria: Ambry Variant Classification Scheme 2023. Collection method: clinical testing. Allele origin: germline.
Comment: The p.T3156P variant (also known as c.9466A>C), located in coding exon 27 of the TNXB gene, results from an A to C substitution at nucleotide position 9466. The threonine at codon 3156 is replaced by proline, an amino acid with highly similar properties. This amino acid position is conserved. In addition, this alteration is predicted to be tolerated by in silico analysis. Based on the available evidence, the clinical significance of this variant remains unclear.